The following is an entry in ClinVar:

ClinVar aggregate classification (germline): Likely benign (1 of 4 stars; one submission).

Allele frequency attached by ClinVar (database versions not stated): TOPMed below 0.00001; ExAC 0.00001; gnomAD 0.00001; gnomAD exomes 0.00001.
gnomAD v4.1: 13 of 1,612,034 alleles (0.00081%); highest among the groups gnomAD compares: African/African-American, 0.0053%; no homozygotes.

Submission:

CeGaT Center for Human Genetics Tuebingen
Classification: Likely benign. Last evaluated: 2022-04-01. Review status: criteria provided, single submitter. Criteria: CeGaT Center For Human Genetics Tuebingen Variant Classification Criteria Version 2. Collection method: clinical testing. Allele origin: germline. Affected: yes. Observed: 1 variant allele.
Comment: CACNA1H: BP4, BP7

NM_021098.3(CACNA1H):c.3936C>T (p.Ala1312=)

Gene: CACNA1H (calcium voltage-gated channel subunit alpha1 H; plus strand). Cytogenetic location: 16p13.3.
Variant type: single nucleotide variant.
Coding change: c.3936C>T on transcript NM_021098.3 (MANE Select); coding-DNA position 3936, C replaced by T.
Protein change: p.Ala1312=; no amino-acid change (alanine 1312 retained).
Molecular consequence: synonymous variant.
Genome position (GRCh38, 1-based): chr16:1,210,460, C>T. VCF-style: chr16-1210460-C-T. GRCh37 (hg19) VCF-style: chr16-1260460-C-T.
Other names: c.3936C>T, p.Ala1312= (NM_001005407.2).
Identifiers: ClinVar variation 2645881 (VCV002645881.24), dbSNP rs747436287, ClinGen allele CA7801023.